The following is an entry in ClinVar:

ClinVar aggregate classification (germline): Uncertain significance. Review status: criteria provided, multiple submitters, no conflicts (2 of 4 stars). 4 submissions from 4 submitters: Uncertain significance (4). Last evaluated 2025-07-15.

Conditions:
Inborn genetic diseases. Identifiers: MedGen C0950123, MeSH D030342.
CDH23-related disorder. Also called: CDH23-related disorders; CDH23-related condition.

Allele frequency attached by ClinVar (database versions not stated): gnomAD exomes below 0.00001 and 0.00001; TOPMed below 0.00001; ExAC 0.00003.
gnomAD v4.1: 8 of 1,613,796 alleles (0.0005%); highest among the groups gnomAD compares: South Asian, 0.0033%; no homozygotes.

Submissions (4):

PreventionGenetics, part of Exact Sciences
Classification: Uncertain significance for CDH23-related condition. Last evaluated: 2025-07-15. Review status: criteria provided, single submitter. Criteria: ACMG Guidelines, 2015. Collection method: clinical testing. Allele origin: germline.
Comment: The CDH23 c.3983T>C variant is predicted to result in the amino acid substitution p.Leu1328Pro. To our knowledge, this variant has not been reported in the literature. This variant is reported in 0.011% of alleles in individuals of East Asian descent in gnomAD. At this time, the clinical significance of this variant is uncertain due to the absence of conclusive functional and genetic evidence.

GeneDx
Classification: Uncertain significance. Last evaluated: 2024-07-09. Review status: criteria provided, single submitter. Criteria: GeneDx Variant Classification Process June 2021. Collection method: clinical testing. Allele origin: germline. Affected: yes.
Comment: In silico analysis supports that this missense variant has a deleterious effect on protein structure/function; Has not been previously published as pathogenic or benign to our knowledge

Ambry Genetics
Classification: Uncertain significance for Inborn genetic diseases. Last evaluated: 2023-06-30. Review status: criteria provided, single submitter. Criteria: Ambry Variant Classification Scheme 2023. Collection method: clinical testing. Allele origin: germline.

Labcorp Genetics (formerly Invitae), Labcorp
Classification: Uncertain significance. Last evaluated: 2021-09-01. Review status: criteria provided, single submitter. Criteria: Invitae Variant Classification Sherloc (09022015). Collection method: clinical testing. Allele origin: germline.
Comment: This sequence change replaces leucine with proline at codon 1328 of the CDH23 protein (p.Leu1328Pro). The leucine residue is highly conserved and there is a moderate physicochemical difference between leucine and proline. This variant is present in population databases (rs370383552, ExAC 0.04%). This variant has not been reported in the literature in individuals affected with CDH23-related conditions. Algorithms developed to predict the effect of missense changes on protein structure and function are either unavailable or do not agree on the potential impact of this missense change (SIFT: "Deleterious"; PolyPhen-2: "Not Available"; Align-GVGD: "Class C15"). In summary, the available evidence is currently insufficient to determine the role of this variant in disease. Therefore, it has been classified as a Variant of Uncertain Significance.

NM_022124.6(CDH23):c.3983T>C (p.Leu1328Pro)

Genes: C10orf105 (chromosome 10 open reading frame 105; minus strand), CDH23 (cadherin related 23; plus strand). Cytogenetic location: 10q22.1.
Variant type: single nucleotide variant.
Coding change: c.3983T>C on transcript NM_022124.6 (MANE Select); coding-DNA position 3983, T replaced by C.
Protein change: p.Leu1328Pro; replaces leucine 1328 with proline.
Molecular consequence: missense variant. On other transcripts: intron variant (1).
Genome position (GRCh38, 1-based): chr10:71,732,254, T>C. VCF-style: chr10-71732254-T-C. GRCh37 (hg19) VCF-style: chr10-73492011-T-C.
Other names: c.3983T>C, p.Leu1328Pro (NM_001171930.2); c.-6+5474A>G (NM_001168390.2); short protein forms L1328P.
Identifiers: ClinVar variation 1361813 (VCV001361813.9), dbSNP rs370383552, ClinGen allele CA5544882.